The following is an entry in ClinVar:

NM_000195.5(HPS1):c.1067A>C (p.Asn356Thr)

Gene: HPS1 (HPS1 biogenesis of lysosomal organelles complex 3 subunit 1; minus strand). Cytogenetic location: 10q24.2.
Variant type: single nucleotide variant.
Coding change: c.1067A>C on transcript NM_000195.5 (MANE Select); coding-DNA position 1067, A replaced by C.
Protein change: p.Asn356Thr; replaces asparagine 356 with threonine.
Molecular consequence: missense variant.
Genome position (GRCh38, 1-based): chr10:98,425,906, T>G on the plus strand (A>C on the coding strand, the complement: HPS1 is on the minus strand). VCF-style: chr10-98425906-T-G. GRCh37 (hg19) VCF-style: chr10-100185663-T-G.
Other names: c.95A>C, p.Asn32Thr (NM_001311345.2, NM_001322487.2, NM_001322489.2); c.1067A>C, p.Asn356Thr (NM_001322476.2, NM_001322477.2); c.968A>C, p.Asn323Thr (NM_001322478.2, NM_001322479.2); c.806A>C, p.Asn269Thr (NM_001322480.2, NM_001322481.2); c.707A>C, p.Asn236Thr (NM_001322482.2); c.698A>C, p.Asn233Thr (NM_001322483.2, NM_001322484.2); c.599A>C, p.Asn200Thr (NM_001322485.2); c.1067A>C (NM_000195.3); short protein forms N356T, N233T, N32T, N236T, N323T, N200T, N269T.
Identifiers: ClinVar variation 282758 (VCV000282758.11), dbSNP rs374389539, ClinGen allele CA5639153.

ClinVar aggregate classification (germline): Uncertain significance. Review status: criteria provided, multiple submitters, no conflicts (2 of 4 stars). 5 submissions from 5 submitters: Uncertain significance (5). Last evaluated 2025-08-05.

Conditions:
Inborn genetic diseases. Identifiers: MedGen C0950123, MeSH D030342.
Hermansky-Pudlak syndrome 1 (HPS1). Also called: DELTA STORAGE POOL DISEASE. Identifiers: Orphanet 231500, Orphanet 79430, MedGen C2931875, MONDO:0008748, OMIM 203300.

Allele frequency attached by ClinVar (database versions not stated): gnomAD exomes 0.00008; ExAC 0.00012; ESP Exome Variant Server 0.00015; gnomAD 0.00015 and 0.00016; TOPMed 0.00020; 1000 Genomes Project 0.00040; 1000 Genomes Project 30x 0.00047.
gnomAD v4.1: 146 of 1,614,124 alleles (0.009%); highest among the groups gnomAD compares: Admixed American, 0.045%; no homozygotes.

Submissions (5):

Ambry Genetics
Classification: Uncertain significance for Inborn genetic diseases. Last evaluated: 2025-08-05. Review status: criteria provided, single submitter. Criteria: Ambry Variant Classification Scheme 2023. Collection method: clinical testing. Allele origin: germline.

Blueprint Genetics
Classification: Uncertain significance. Last evaluated: 2024-07-16. Review status: criteria provided, single submitter. Criteria: ACMG Guidelines, 2015. Collection method: clinical testing. Allele origin: germline.

Fulgent Genetics
Classification: Uncertain significance for Hermansky-Pudlak syndrome 1. Last evaluated: 2024-04-19. Review status: criteria provided, single submitter. Criteria: ACMG Guidelines, 2015. Collection method: clinical testing. Allele origin: germline.

Labcorp Genetics (formerly Invitae), Labcorp
Classification: Uncertain significance. Last evaluated: 2024-01-22. Review status: criteria provided, single submitter. Criteria: Invitae Variant Classification Sherloc (09022015). Collection method: clinical testing. Allele origin: germline.
Comment: This sequence change replaces asparagine, which is neutral and polar, with threonine, which is neutral and polar, at codon 356 of the HPS1 protein (p.Asn356Thr). This variant is present in population databases (rs374389539, gnomAD 0.03%). This variant has not been reported in the literature in individuals affected with HPS1-related conditions. ClinVar contains an entry for this variant (Variation ID: 282758). Advanced modeling of protein sequence and biophysical properties (such as structural, functional, and spatial information, amino acid conservation, physicochemical variation, residue mobility, and thermodynamic stability) performed at Invitae indicates that this missense variant is not expected to disrupt HPS1 protein function with a negative predictive value of 80%. In summary, the available evidence is currently insufficient to determine the role of this variant in disease. Therefore, it has been classified as a Variant of Uncertain Significance.

Eurofins Ntd Llc (ga)
Classification: Uncertain significance. Last evaluated: 2015-08-31. Review status: criteria provided, single submitter. Criteria: EGL Classification Definitions 2015. Collection method: clinical testing. Allele origin: germline. Observed: 1 variant allele, 1 heterozygote.